The following is an entry in ClinVar:

NM_194248.3(OTOF):c.2022C>T (p.Asp674=)

Gene: OTOF (otoferlin; minus strand). Cytogenetic location: 2p23.3.
Variant type: single nucleotide variant.
Coding change: c.2022C>T on transcript NM_194248.3 (MANE Select); coding-DNA position 2022, C replaced by T.
Protein change: p.Asp674=; no amino-acid change (aspartic acid 674 retained).
Molecular consequence: synonymous variant.
Genome position (GRCh38, 1-based): chr2:26,479,544, G>A on the plus strand (C>T on the coding strand, the complement: OTOF is on the minus strand). VCF-style: chr2-26479544-G-A. GRCh37 (hg19) VCF-style: chr2-26702412-G-A.
Other names: p.Asp674=; c.2022C>T, p.Asp674= (NM_001287489.2).
Identifiers: ClinVar variation 21829 (VCV000021829.21), dbSNP rs13004993, ClinGen allele CA142776.

ClinVar aggregate classification (germline): Benign/Likely benign. Review status: criteria provided, multiple submitters, no conflicts (2 of 4 stars). 8 submissions from 8 submitters: Benign (5); Likely benign (2). 1 of the submissions does not count toward it. Last evaluated 2026-02-04.

Conditions:
Autosomal recessive nonsyndromic hearing loss 9. Also called: OTOF-Related Hearing Loss; AUDITORY NEUROPATHY, AUTOSOMAL RECESSIVE, 1, TEMPERATURE-SENSITIVE; NEUROSENSORY NONSYNDROMIC RECESSIVE DEAFNESS 9; Deafness, autosomal recessive 9. Identifiers: Orphanet 90636, MedGen C1832828, MONDO:0010986, OMIM 601071.

Allele frequency attached by ClinVar (database versions not stated): 1000 Genomes Project 30x 0.01093; TOPMed 0.02224; ExAC 0.03023; 1000 Genomes Project 0.01138; gnomAD 0.02894 and 0.03023; ESP Exome Variant Server 0.02590; gnomAD exomes 0.03452 and 0.02831.

Submissions (8):

Labcorp Genetics (formerly Invitae), Labcorp
Classification: Benign. Last evaluated: 2026-02-04. Review status: criteria provided, single submitter. Criteria: Invitae Variant Classification Sherloc (09022015). Collection method: clinical testing. Allele origin: germline.

Mayo Clinic Laboratories, Mayo Clinic
Classification: Benign. Last evaluated: 2022-04-08. Review status: criteria provided, single submitter. Criteria: ACMG Guidelines, 2015. Collection method: clinical testing. Allele origin: germline. Observed: 17 variant alleles.

Athena Diagnostics
Classification: Benign. Last evaluated: 2018-12-28. Review status: criteria provided, single submitter. Criteria: Athena Diagnostics Criteria. Collection method: clinical testing. Allele origin: germline.

Illumina Laboratory Services, Illumina
Classification: Likely benign for Autosomal recessive nonsyndromic hearing loss 9. Last evaluated: 2018-01-12. Review status: criteria provided, single submitter. Criteria: ICSL Variant Classification Criteria 13 December 2019. Collection method: clinical testing. Allele origin: germline.
Comment: This variant was observed in the ICSL laboratory as part of a predisposition screen in an ostensibly healthy population. It had not been previously curated by ICSL or reported in the Human Gene Mutation Database (HGMD: prior to June 1st, 2018), and was therefore a candidate for classification through an automated scoring system. Utilizing variant allele frequency, disease prevalence and penetrance estimates, and inheritance mode, an automated score was calculated to assess if this variant is too frequent to cause the disease. Based on the score and internal cut-off values, a variant classified as likely benign is not then subjected to further curation. The score for this variant resulted in a classification of likely benign for this disease.

GeneDx
Classification: Benign. Last evaluated: 2017-11-16. Review status: criteria provided, single submitter. Criteria: GeneDx Variant Classification (06012015). Collection method: clinical testing. Allele origin: germline. Affected: yes.
Comment: This variant is considered likely benign or benign based on one or more of the following criteria: it is a conservative change, it occurs at a poorly conserved position in the protein, it is predicted to be benign by multiple in silico algorithms, and/or has population frequency not consistent with disease.

Laboratory for Molecular Medicine, Mass General Brigham Personalized Medicine
Classification: Benign. Last evaluated: 2008-02-19. Review status: criteria provided, single submitter. Criteria: LMM Criteria. Collection method: clinical testing. Allele origin: germline. Observed: 116 variant alleles.

Breakthrough Genomics
Classification: Likely benign. Review status: criteria provided, single submitter. Criteria: ACMG Guidelines, 2015. Collection method: not provided. Allele origin: germline. Inheritance: Autosomal recessive inheritance. Affected: yes.

GeneReviews
No classification provided. Condition: Autosomal recessive nonsyndromic hearing loss 9. Review status: no classification provided. Collection method: literature only. Allele origin: unknown. Not counted in ClinVar's aggregate classification.

Literature cited by the submitters: PubMed 20301429 (cited by GeneReviews); NCBI Bookshelf NBK1251 (cited by GeneReviews).